The following is an entry in ClinVar:

ClinVar aggregate classification (germline): Uncertain significance (1 of 4 stars; one submission).

Conditions:
Neuropathy, hereditary sensory, type 1F. Also called: HSN IF; Hereditary sensory neuropathy type IF. Identifiers: Orphanet 36386, MedGen C3810194, MONDO:0014286, OMIM 615632.

Submission:

Labcorp Genetics (formerly Invitae), Labcorp
Classification: Uncertain significance for Neuropathy, hereditary sensory, type 1F. Last evaluated: 2024-07-03. Review status: criteria provided, single submitter. Criteria: Invitae Variant Classification Sherloc (09022015). Collection method: clinical testing. Allele origin: germline.
Comment: This sequence change replaces serine, which is neutral and polar, with threonine, which is neutral and polar, at codon 93 of the ATL3 protein (p.Ser93Thr). This variant is not present in population databases (gnomAD no frequency). This variant has not been reported in the literature in individuals affected with ATL3-related conditions. An algorithm developed to predict the effect of missense changes on protein structure and function (PolyPhen-2) suggests that this variant is likely to be tolerated. In summary, the available evidence is currently insufficient to determine the role of this variant in disease. Therefore, it has been classified as a Variant of Uncertain Significance.

NM_015459.5(ATL3):c.277T>A (p.Ser93Thr)

Genes: ATL3 (atlastin GTPase 3; minus strand), LNCROPM (lncRNA regulator of PLAAT3 mediated phospholipid metabolism; plus strand). Cytogenetic location: 11q13.1.
Variant type: single nucleotide variant.
Coding change: c.277T>A on transcript NM_015459.5 (MANE Select); coding-DNA position 277, T replaced by A.
Protein change: p.Ser93Thr; replaces serine 93 with threonine.
Molecular consequence: missense variant.
Genome position (GRCh38, 1-based): chr11:63,658,889, A>T on the plus strand (T>A on the coding strand, the complement: ATL3 is on the minus strand). VCF-style: chr11-63658889-A-T. GRCh37 (hg19) VCF-style: chr11-63426361-A-T.
Other names: c.223T>A, p.Ser75Thr (NM_001290048.2); short protein forms S75T, S93T.
Identifiers: ClinVar variation 3658603 (VCV003658603.2).